The following is an entry in ClinVar:

ClinVar aggregate classification (germline): Likely benign (1 of 4 stars; one submission).

Allele frequency attached by ClinVar (database versions not stated): ExAC 0.00019; ESP Exome Variant Server 0.00022; 1000 Genomes Project 30x 0.00125; 1000 Genomes Project 0.00140.
gnomAD v4.1: 236 of 1,547,532 alleles (0.015%); highest among the groups gnomAD compares: East Asian, 0.17%; 1 homozygote.

Submission:

CeGaT Center for Human Genetics Tuebingen
Classification: Likely benign. Last evaluated: 2022-08-01. Review status: criteria provided, single submitter. Criteria: CeGaT Center For Human Genetics Tuebingen Variant Classification Criteria Version 2. Collection method: clinical testing. Allele origin: germline. Affected: yes. Observed: 2 variant alleles.
Comment: SHANK2: BS2

NM_012309.5(SHANK2):c.8G>A (p.Arg3His)

Gene: SHANK2 (SH3 and multiple ankyrin repeat domains 2; minus strand). Cytogenetic location: 11q13.4.
Variant type: single nucleotide variant.
Coding change: c.8G>A on transcript NM_012309.5 (MANE Select); coding-DNA position 8, G replaced by A.
Protein change: p.Arg3His; replaces arginine 3 with histidine.
Molecular consequence: missense variant.
Genome position (GRCh38, 1-based): chr11:71,147,319, C>T on the plus strand (G>A on the coding strand, the complement: SHANK2 is on the minus strand). VCF-style: chr11-71147319-C-T. GRCh37 (hg19) VCF-style: chr11-70858365-C-T.
Other names: short protein forms R3H.
Identifiers: ClinVar variation 2642104 (VCV002642104.24), dbSNP rs369450251, ClinGen allele CA6162192.